The following is an entry in ClinVar:

ClinVar aggregate classification (germline): Uncertain significance (1 of 4 stars; one submission).

Conditions:
Hyperaldosteronism, familial, type IV (HALD4). Also called: FH IV; ALDOSTERONISM, PRIMARY, AND HYPERTENSION. Identifiers: Orphanet 642671, MedGen C4310756, MONDO:0014875, OMIM 617027.
Idiopathic generalized epilepsy. Also called: EIG; Generalised epilepsy. Identifiers: MedGen C0270850, MONDO:0005579, OMIM 600669.

Submission:

Labcorp Genetics (formerly Invitae), Labcorp
Classification: Uncertain significance for Idiopathic generalized epilepsy; Hyperaldosteronism, familial, type IV. Last evaluated: 2021-05-27. Review status: criteria provided, single submitter. Criteria: Invitae Variant Classification Sherloc (09022015). Collection method: clinical testing. Allele origin: germline.
Comment: This variant is a gross deletion of the genomic region encompassing exon(s) 3-35 of the CACNA1H gene. The 5' boundary is likely confined to intron 2. The 3' end of this event is unknown as it extends through the termination codon beyond the assayed region for this gene and may encompass additional genes. While this deletion is not anticipated to result in nonsense mediated decay, it is expected to create a truncated protein product or disrupt mRNA translation. This variant has not been reported in the literature in individuals with CACNA1H-related conditions. In summary, the available evidence is currently insufficient to determine the role of this variant in disease. Therefore, it has been classified as a Variant of Uncertain Significance.

NC_000016.9:g.(?_1244952)_(1270994_?)del

Gene: CACNA1H (calcium voltage-gated channel subunit alpha1 H; plus strand). Cytogenetic location: 16p13.3.
Variant type: Deletion.
Identifiers: ClinVar variation 2426668 (VCV002426668.3).